The following is an entry in ClinVar:

NM_001127198.5(TMC6):c.1761T>G (p.Phe587Leu)

Gene: TMC6 (transmembrane channel like 6; minus strand). Cytogenetic location: 17q25.3.
Variant type: single nucleotide variant.
Coding change: c.1761T>G on transcript NM_001127198.5 (MANE Select); coding-DNA position 1761, T replaced by G.
Protein change: p.Phe587Leu; replaces phenylalanine 587 with leucine.
Molecular consequence: missense variant.
Genome position (GRCh38, 1-based): chr17:78,119,347, A>C on the plus strand (T>G on the coding strand, the complement: TMC6 is on the minus strand). VCF-style: chr17-78119347-A-C. GRCh37 (hg19) VCF-style: chr17-76115428-A-C.
Other names: c.1761T>G, p.Phe587Leu (NM_001321185.1, NM_001374596.1, NM_001375353.1 and 2 more transcripts); c.1581T>G, p.Phe527Leu (NM_001374593.1, NM_001374594.1); short protein forms F527L, F587L.
Identifiers: ClinVar variation 936222 (VCV000936222.8), dbSNP rs1449394311, ClinGen allele CA401226499.
Genomic context (GRCh38, chr17:78,119,347, plus strand): 5'-GGACCCTCACCAGGTCAGAGTCTGCCCATAAATCAGCTCCAGGACATTCCGGGCAATGTC[A>C]AACTCCGGCTTCCGCCTCCTCTTCAGCTTCTTCTCGGAGATAATCCTGCCTCCGAGGACC-3'
Protein context (NP_001120670.1, residues 577-597): KKLKRRRKPE[Phe587Leu]DIARNVLELI

ClinVar aggregate classification (germline): Uncertain significance (1 of 4 stars; one submission).

Conditions:
Epidermodysplasia verruciformis. Identifiers: Orphanet 302, MedGen C0014522, MONDO:0009176.

Allele frequency attached by ClinVar (database versions not stated): gnomAD exomes below 0.00001 and 0.00001.
gnomAD v4.1: 7 of 1,614,068 alleles (0.00043%); highest among the groups gnomAD compares: Non-Finnish European, 0.00059%; no homozygotes.

Submission:

Labcorp Genetics (formerly Invitae), Labcorp
Classification: Uncertain significance for Epidermodysplasia verruciformis. Last evaluated: 2019-06-09. Review status: criteria provided, single submitter. Criteria: Invitae Variant Classification Sherloc (09022015). Collection method: clinical testing. Allele origin: germline.
Comment: In summary, the available evidence is currently insufficient to determine the role of this variant in disease. Therefore, it has been classified as a Variant of Uncertain Significance. Algorithms developed to predict the effect of missense changes on protein structure and function are either unavailable or do not agree on the potential impact of this missense change (SIFT: "Deleterious"; PolyPhen-2: "Probably Damaging"; Align-GVGD: "Class C0"). This variant has not been reported in the literature in individuals with TMC6-related conditions. This variant is not present in population databases (ExAC no frequency). This sequence change replaces phenylalanine with leucine at codon 587 of the TMC6 protein (p.Phe587Leu). The phenylalanine residue is highly conserved and there is a small physicochemical difference between phenylalanine and leucine.